The following is an entry in ClinVar:

ClinVar aggregate classification (germline): Likely benign (0 of 4 stars; one submission).

Conditions:
SLIT2-related disorder. Also called: SLIT2-related condition.

Submission:

PreventionGenetics, part of Exact Sciences
Classification: Likely benign for SLIT2-related condition. Last evaluated: 2023-07-16. Review status: no assertion criteria provided. Collection method: clinical testing. Allele origin: germline.
Comment: This variant is classified as likely benign based on ACMG/AMP sequence variant interpretation guidelines (Richards et al. 2015 PMID: 25741868, with internal and published modifications).

NM_004787.4(SLIT2):c.2547T>C (p.Ser849=)

Gene: SLIT2 (slit guidance ligand 2; plus strand). Cytogenetic location: 4p15.31.
Variant type: single nucleotide variant.
Coding change: c.2547T>C on transcript NM_004787.4 (MANE Select); coding-DNA position 2547, T replaced by C.
Protein change: p.Ser849=; no amino-acid change (serine 849 retained).
Molecular consequence: synonymous variant.
Genome position (GRCh38, 1-based): chr4:20,550,884, T>C. VCF-style: chr4-20550884-T-C. GRCh37 (hg19) VCF-style: chr4-20552507-T-C.
Other names: c.2535T>C, p.Ser845= (NM_001289135.3); c.2523T>C, p.Ser841= (NM_001289136.3).
Identifiers: ClinVar variation 3055501 (VCV003055501.2), dbSNP rs2546591237, ClinGen allele CA438711775.
Genomic context (GRCh38, chr4:20,550,884, plus strand): 5'-TAGTTCTCTACATGGAAATGACATTTCTGTTGTGCCTGAAGGTGCTTTCAATGATCTTTC[T>C]GCATTATCACATCTGTGAGTACCTAGTTTATGAATATAGGTTTAGGGTCAAACACTTCCT-3'
Protein context (NP_004778.1, residues 839-859): VVPEGAFNDL[Ser849=]ALSHLAIGAN